The following is an entry in ClinVar:

ClinVar aggregate classification (germline): Uncertain significance (1 of 4 stars; one submission).

Submission:

Labcorp Genetics (formerly Invitae), Labcorp
Classification: Uncertain significance. Last evaluated: 2025-01-06. Review status: criteria provided, single submitter. Criteria: Invitae Variant Classification Sherloc (09022015). Collection method: clinical testing. Allele origin: germline.
Comment: This variant, c.248_250dup, results in the insertion of 1 amino acid(s) of the FBLN5 protein (p.Pro83_Tyr84insSer), but otherwise preserves the integrity of the reading frame. This variant is not present in population databases (gnomAD no frequency). This variant has not been reported in the literature in individuals affected with FBLN5-related conditions. In summary, the available evidence is currently insufficient to determine the role of this variant in disease. Therefore, it has been classified as a Variant of Uncertain Significance.

NM_006329.4(FBLN5):c.248_250dup (p.Pro83_Tyr84insSer)

Gene: FBLN5 (fibulin 5; minus strand). Cytogenetic location: 14q32.12.
Variant type: Duplication.
Coding change: c.248_250dup on transcript NM_006329.4 (MANE Select); coding-DNA positions 248 to 250, 3 bases duplicated (CCT; older notation c.248_250dupCCT).
Protein change: p.Pro83_Tyr84insSer.
Genome position (GRCh38, 1-based): chr14:91,937,076-91,937,078, AGG duplicated on the plus strand (CCT on the coding strand, the reverse complement: FBLN5 is on the minus strand). VCF-style (leftmost placement, unchanged base first): chr14-91937075-T-TAGG. GRCh37 (hg19) VCF-style: chr14-92403419-T-TAGG.
Other names: c.371_373dup, p.Pro124_Tyr125insSer (NM_001384158.1); c.299_301dup, p.Pro100_Tyr101insSer (NM_001384159.1); c.248_250dup, p.Pro83_Tyr84insSer (NM_001384160.1); c.80_82dup, p.Pro27_Tyr28insSer (NM_001384161.1, NM_001384162.1).
Identifiers: ClinVar variation 3728571 (VCV003728571.2).